The following is an entry in ClinVar:

NM_003098.3(SNTA1):c.1324C>T (p.Arg442Ter)

Gene: SNTA1 (syntrophin alpha 1; minus strand). Cytogenetic location: 20q11.21.
Variant type: single nucleotide variant.
Coding change: c.1324C>T on transcript NM_003098.3 (MANE Select); coding-DNA position 1324, C replaced by T.
Protein change: p.Arg442Ter; replaces arginine 442 with a stop codon.
Molecular consequence: nonsense.
Genome position (GRCh38, 1-based): chr20:33,408,802, G>A on the plus strand (C>T on the coding strand, the complement: SNTA1 is on the minus strand). VCF-style: chr20-33408802-G-A. GRCh37 (hg19) VCF-style: chr20-31996608-G-A.
Other names: p.R442*:CGA>TGA; short protein forms R442*.
Identifiers: ClinVar variation 190924 (VCV000190924.4), dbSNP rs375603980, ClinGen allele CA302300.

ClinVar aggregate classification (germline): Uncertain significance. Review status: criteria provided, multiple submitters, no conflicts (2 of 4 stars). 2 submissions from 2 submitters: Uncertain significance (2). Last evaluated 2025-05-08.

Conditions:
Long QT syndrome (LQTS). Identifiers: MedGen C0023976, MeSH D008133, MONDO:0002442. Disease mechanism: loss of function. Inheritance: Various modes of inheritance.

Allele frequency attached by ClinVar (database versions not stated): gnomAD exomes 0.00001; gnomAD 0.00002 and 0.00003; ESP Exome Variant Server 0.00008; ExAC 0.00002; TOPMed 0.00002.

Submissions (2):

Labcorp Genetics (formerly Invitae), Labcorp
Classification: Uncertain significance for Long QT syndrome. Last evaluated: 2025-05-08. Review status: criteria provided, single submitter. Criteria: Invitae Variant Classification Sherloc (09022015). Collection method: clinical testing. Allele origin: germline.
Comment: This sequence change creates a premature translational stop signal (p.Arg442*) in the SNTA1 gene. It is expected to result in an absent or disrupted protein product. However, the current clinical and genetic evidence is not sufficient to establish whether loss-of-function variants in SNTA1 cause disease. This variant is present in population databases (rs375603980, gnomAD 0.006%). This variant has not been reported in the literature in individuals affected with SNTA1-related conditions. ClinVar contains an entry for this variant (Variation ID: 190924). In summary, the available evidence is currently insufficient to determine the role of this variant in disease. Therefore, it has been classified as a Variant of Uncertain Significance.

GeneDx
Classification: Uncertain significance. Last evaluated: 2012-08-10. Review status: criteria provided, single submitter. Criteria: GeneDx Variant Classification (06012015). Collection method: clinical testing. Allele origin: germline. Affected: yes.
Comment: The Arg442Stop variant in the SNTA1 gene has not been reported previously as a disease-causing mutation nor as a benign polymorphism, to our knowledge. As a nonsense change, Arg442Stop is predicted to cause loss of normal protein function either due to production of an abnormal, prematurely truncated protein, or by absence of protein product due to nonsense mediated mRNA decay. However, no nonsense or other protein truncating mutations have been reported in the SNTA1 gene to our knowledge. The NHLBI ESP Exome Variant Server reports Arg442Stop was observed in approximately 1/8599 alleles from individuals of European ancestry. Data from ethnically-matched control individuals were not available to assess for a population-specific benign variant.In summary, with the clinical and molecular information available at this time, we cannot determine if the Arg442Stop variant in the SNTA1 gene is a disease-causing mutation or a benign polymorphism. A pathogenic role for this variant would be supported if it has occurred de novo in an individual or co-segregates with a LQTS phenotype in a family. The variant is found in LQT panel(s).